The following is an entry in ClinVar:

NM_017617.5(NOTCH1):c.6152G>C (p.Gly2051Ala)

Genes: NOTCH1 (notch receptor 1; minus strand), LOC126860794 (BRD4-independent group 4 enhancer GRCh37_chr9:139392592-139393791; plus strand). Cytogenetic location: 9q34.3.
Variant type: single nucleotide variant.
Coding change: c.6152G>C on transcript NM_017617.5 (MANE Select); coding-DNA position 6152, G replaced by C.
Protein change: p.Gly2051Ala; replaces glycine 2051 with alanine.
Molecular consequence: missense variant.
Genome position (GRCh38, 1-based): chr9:136,498,927, C>G on the plus strand (G>C on the coding strand, the complement: NOTCH1 is on the minus strand). VCF-style: chr9-136498927-C-G. GRCh37 (hg19) VCF-style: chr9-139393379-C-G.
Other names: c.6152G>C, p.Gly2051Ala (LRG_1122t1); short protein forms G2051A.
Identifiers: ClinVar variation 659754 (VCV000659754.9), dbSNP rs1589054356, ClinGen allele CA375633824.

ClinVar aggregate classification (germline): Uncertain significance (1 of 4 stars; one submission).

Conditions:
Adams-Oliver syndrome 5 (AOS5). Identifiers: Orphanet 974, MedGen C4014970, MONDO:0014459, OMIM 616028.

Submission:

Labcorp Genetics (formerly Invitae), Labcorp
Classification: Uncertain significance for Adams-Oliver syndrome 5. Last evaluated: 2022-12-06. Review status: criteria provided, single submitter. Criteria: Invitae Variant Classification Sherloc (09022015). Collection method: clinical testing. Allele origin: germline.
Comment: In summary, the available evidence is currently insufficient to determine the role of this variant in disease. Therefore, it has been classified as a Variant of Uncertain Significance. Advanced modeling of protein sequence and biophysical properties (such as structural, functional, and spatial information, amino acid conservation, physicochemical variation, residue mobility, and thermodynamic stability) has been performed at Invitae for this missense variant, however the output from this modeling did not meet the statistical confidence thresholds required to predict the impact of this variant on NOTCH1 protein function. ClinVar contains an entry for this variant (Variation ID: 659754). This variant has not been reported in the literature in individuals affected with NOTCH1-related conditions. This variant is not present in population databases (gnomAD no frequency). This sequence change replaces glycine, which is neutral and non-polar, with alanine, which is neutral and non-polar, at codon 2051 of the NOTCH1 protein (p.Gly2051Ala).